The following is an entry in ClinVar:

NM_003896.4(ST3GAL5):c.862C>T (p.Arg288Ter)

Gene: ST3GAL5 (ST3 beta-galactoside alpha-2,3-sialyltransferase 5; minus strand). Cytogenetic location: 2p11.2.
Variant type: single nucleotide variant.
Coding change: c.862C>T on transcript NM_003896.4 (MANE Select); coding-DNA position 862, C replaced by T.
Protein change: p.Arg288Ter; replaces arginine 288 with a stop codon.
Molecular consequence: nonsense. On other transcripts: intron variant (1).
Genome position (GRCh38, 1-based): chr2:85,844,542, G>A on the plus strand (C>T on the coding strand, the complement: ST3GAL5 is on the minus strand). VCF-style: chr2-85844542-G-A. GRCh37 (hg19) VCF-style: chr2-86071665-G-A.
Other names: c.793C>T, p.Arg265Ter (NM_001042437.2); c.478C>T, p.Arg160Ter (NM_001354223.2, NM_001354224.2, NM_001354226.2 and 3 more transcripts); c.778C>T, p.Arg260Ter (NM_001354227.2, NM_001354229.2, NM_001354238.1); c.139C>T, p.Arg47Ter (NM_001354247.1); c.849+1835C>T (NM_001363847.1); short protein forms R288*, R260*, R47*, R160*, R265*.
Identifiers: ClinVar variation 5556 (VCV000005556.23), dbSNP rs104893668, ClinGen allele CA117586.

ClinVar aggregate classification (germline): Pathogenic. Review status: criteria provided, multiple submitters, no conflicts (2 of 4 stars). 8 submissions from 8 submitters: Pathogenic (6). 2 of the submissions do not count toward it. Last evaluated 2025-06-11.

Conditions:
ST3GAL5-related disorder. Also called: ST3GAL5-related condition.
GM3 synthase deficiency (SPDRS). Also called: SALT AND PEPPER DEVELOPMENTAL REGRESSION SYNDROME; AMISH INFANTILE EPILEPSY SYNDROME; SALT AND PEPPER MENTAL RETARDATION SYNDROME. Identifiers: Orphanet 171714, Orphanet 370933, MedGen C1836824, MONDO:0018274, OMIM 609056.

Allele frequency attached by ClinVar (database versions not stated): ExAC 0.00001; gnomAD 0.00002; gnomAD exomes 0.00002 and 0.00003; TOPMed 0.00003.
gnomAD v4.1: 46 of 1,613,942 alleles (0.0029%); highest among the groups gnomAD compares: Non-Finnish European, 0.0037%; no homozygotes.

Submissions (8):

Labcorp Genetics (formerly Invitae), Labcorp
Classification: Pathogenic for GM3 synthase deficiency. Last evaluated: 2025-06-11. Review status: criteria provided, single submitter. Criteria: Invitae Variant Classification Sherloc (09022015). Collection method: clinical testing. Allele origin: germline.
Comment: This sequence change creates a premature translational stop signal (p.Arg288*) in the ST3GAL5 gene. It is expected to result in an absent or disrupted protein product. Loss-of-function variants in ST3GAL5 are known to be pathogenic (PMID: 15502825, 22990144, 27232954). This variant is present in population databases (rs104893668, gnomAD 0.006%). This premature translational stop signal has been observed in individual(s) with early-onset epilepsy syndrome and ganglioside GM3 synthase deficiency (PMID: 15502825, 22990144, 23436467). It has also been observed to segregate with disease in related individuals. This variant is also known as c.694C>T, p.R232X. ClinVar contains an entry for this variant (Variation ID: 5556). Algorithms developed to predict the effect of sequence changes on RNA splicing suggest that this variant may disrupt the consensus splice site. For these reasons, this variant has been classified as Pathogenic.

Revvity Omics, Revvity
Classification: Pathogenic for GM3 synthase deficiency. Last evaluated: 2023-07-04. Review status: criteria provided, single submitter. Criteria: ACMG Guidelines, 2015. Collection method: clinical testing. Allele origin: germline.

GeneDx
Classification: Pathogenic. Last evaluated: 2022-07-08. Review status: criteria provided, single submitter. Criteria: GeneDx Variant Classification Process June 2021. Collection method: clinical testing. Allele origin: germline. Affected: yes.
Comment: Published functional studies demonstrate damage to ST3GAL5 function (Indellicato et al., 2019); Nonsense variant predicted to result in protein truncation or nonsense mediated decay in a gene for which loss-of-function is a known mechanism of disease; Not observed at a significant frequency in large population cohorts (gnomAD); This variant is associated with the following publications: (PMID: 29747824, 27232954, 30691927, 26649472, 28709807, 23436467, 22990144, 25525159, 15502825, 28726809, 30185102, 30209782, 31028937, 25131622, 31589614, 30576498)

Baylor Genetics
Classification: Pathogenic for GM3 synthase deficiency. Last evaluated: 2019-03-29. Review status: criteria provided, single submitter. Criteria: ACMG Guidelines, 2015. Collection method: clinical testing. Allele origin: unknown. Affected: yes.
Comment: This variant was determined to be pathogenic according to ACMG Guidelines, 2015 [PMID:25741868]. This variant has been previously reported as disease-causing [PMID 15502825, 22990144, 28726809, 23436467, 25525159]

Blueprint Genetics
Classification: Pathogenic for ST3GAL5-related disorders. Last evaluated: 2018-12-12. Review status: criteria provided, single submitter. Criteria: ACMG Guidelines, 2015. Collection method: clinical testing. Allele origin: germline. Affected: yes. Observed: 2 variant alleles.

Fulgent Genetics
Classification: Pathogenic for GM3 synthase deficiency. Last evaluated: 2018-10-31. Review status: criteria provided, single submitter. Criteria: ACMG Guidelines, 2015. Collection method: clinical testing. Allele origin: unknown.

PreventionGenetics, part of Exact Sciences
Classification: Pathogenic for ST3GAL5-related condition. Last evaluated: 2024-01-31. Review status: no assertion criteria provided. Collection method: clinical testing. Allele origin: germline. Not counted in ClinVar's aggregate classification.
Comment: The ST3GAL5 c.862C>T variant is predicted to result in premature protein termination (p.Arg288*). This variant has been reported in the homozygous state in multiple individuals with GM3 synthase deficiency (see for example, Fragaki et al. 2012. PubMed ID: 22990144; Table 1, Wang et al. 2013. PubMed ID: 23436467; Table 1, Gordon-Lipkin et al. 2018. PubMed ID: 30185102). This variant is reported in 0.0054% of alleles in individuals of European (non-Finnish) descent in gnomAD and it has been described as a founder variant in various Old Order Amish populations (Simpson et al. 2004. PubMed ID: 15502825; Bowser et al. 2019. PubMed ID: 30691927). An in vitro experimental study suggests this variant abolishes protein enzyme activity (Figure 3, Indellicato et al. 2019. PubMed ID: 30576498). Nonsense variants in ST3GAL5 are expected to be pathogenic. This variant is interpreted as pathogenic.

OMIM
Classification: Pathogenic for SALT AND PEPPER DEVELOPMENTAL REGRESSION SYNDROME. Last evaluated: 2013-05-01. Review status: no assertion criteria provided. Collection method: literature only. Allele origin: germline. Not counted in ClinVar's aggregate classification.

Literature cited by the submitters: PubMed 15502825 (cited by 3 submitters); PubMed 22990144 (cited by 3 submitters); PubMed 27232954 (cited by Labcorp Genetics (formerly Invitae), Labcorp); PubMed 23436467 (cited by Labcorp Genetics (formerly Invitae), Labcorp and Baylor Genetics); PubMed 28726809 (cited by Baylor Genetics); PubMed 25525159 (cited by Baylor Genetics); PubMed 26649472 (cited by OMIM).